The following is an entry in ClinVar:

ClinVar aggregate classification (germline): Uncertain significance. Review status: criteria provided, multiple submitters, no conflicts (2 of 4 stars). 3 submissions from 3 submitters: Uncertain significance (3). Last evaluated 2026-06-29.

Conditions:
Hereditary cancer-predisposing syndrome. Also called: Neoplastic Syndromes, Hereditary; Hereditary Cancer Syndrome; Hereditary neoplastic syndrome; Tumor predisposition. Identifiers: Orphanet 140162, MedGen C0027672, MeSH D009386, MONDO:0015356.
Ataxia-telangiectasia syndrome (AT). Also called: LOUIS-BAR SYNDROME; Ataxia telangiectasia (A-T); Ataxia-telangiectasia, complementation group D; AT, COMPLEMENTATION GROUP C; Cerebello-oculocutaneous telangiectasia; Immunodeficiency with ataxia telangiectasia. Identifiers: Orphanet 100, MedGen C0004135, MONDO:0008840, OMIM 208900.

Submissions (3):

Ambry Genetics
Classification: Uncertain significance for Hereditary cancer-predisposing syndrome. Last evaluated: 2026-06-29. Review status: criteria provided, single submitter. Criteria: Ambry Variant Classification Scheme 2023. Collection method: clinical testing. Allele origin: germline.
Comment: The p.A340V variant (also known as c.1019C>T), located in coding exon 7 of the ATM gene, results from a C to T substitution at nucleotide position 1019. The alanine at codon 340 is replaced by valine, an amino acid with similar properties. In an assay testing ATM function, this variant showed a functionally normal result (Lee KS et al. Cell, 2025 Sep;188:5081-5099.e27). This amino acid position is highly conserved in available vertebrate species. In addition, the in silico prediction for this alteration is inconclusive. Based on the available evidence, the clinical significance of this variant remains unclear.

Women's Health and Genetics/Laboratory Corporation of America, LabCorp
Classification: Uncertain significance. Last evaluated: 2024-08-13. Review status: criteria provided, single submitter. Criteria: LabCorp Variant Classification Summary - May 2015. Collection method: clinical testing. Allele origin: germline.
Comment: Variant summary: ATM c.1019C>T (p.Ala340Val) results in a non-conservative amino acid change in the encoded protein sequence. Four of five in-silico tools predict a damaging effect of the variant on protein function. The variant was absent in 251132 control chromosomes (gnomAD). The available data on variant occurrences in the general population are insufficient to allow any conclusion about variant significance. c.1019C>T has been reported in the literature in an individual affected with Mantle cell lymphoma without strong evidence of causality (Petrackova_2022). This report does not provide unequivocal conclusions about association of the variant with Ataxia-Telangiectasia. To our knowledge, no experimental evidence demonstrating an impact on protein function has been reported. The following publication has been ascertained in the context of this evaluation (PMID: 36029002). ClinVar contains an entry for this variant (Variation ID: 577796). Based on the evidence outlined above, the variant was classified as uncertain significance.

Labcorp Genetics (formerly Invitae), Labcorp
Classification: Uncertain significance for Ataxia-telangiectasia syndrome. Last evaluated: 2022-02-10. Review status: criteria provided, single submitter. Criteria: Invitae Variant Classification Sherloc (09022015). Collection method: clinical testing. Allele origin: germline.
Comment: In summary, the available evidence is currently insufficient to determine the role of this variant in disease. Therefore, it has been classified as a Variant of Uncertain Significance. Advanced modeling of protein sequence and biophysical properties (such as structural, functional, and spatial information, amino acid conservation, physicochemical variation, residue mobility, and thermodynamic stability) performed at Invitae indicates that this missense variant is not expected to disrupt ATM protein function. ClinVar contains an entry for this variant (Variation ID: 577796). This variant has not been reported in the literature in individuals affected with ATM-related conditions. This variant is not present in population databases (gnomAD no frequency). This sequence change replaces alanine, which is neutral and non-polar, with valine, which is neutral and non-polar, at codon 340 of the ATM protein (p.Ala340Val).

Literature cited by the submitters: PubMed 40580951 (cited by Ambry Genetics); PubMed 36029002 (cited by Women's Health and Genetics/Laboratory Corporation of America, LabCorp).

NM_000051.4(ATM):c.1019C>T (p.Ala340Val)

Gene: ATM (ATM serine/threonine kinase; plus strand). Cytogenetic location: 11q22.3.
Variant type: single nucleotide variant.
Coding change: c.1019C>T on transcript NM_000051.4 (MANE Select); coding-DNA position 1019, C replaced by T.
Protein change: p.Ala340Val; replaces alanine 340 with valine.
Molecular consequence: missense variant.
Genome position (GRCh38, 1-based): chr11:108,247,081, C>T. VCF-style: chr11-108247081-C-T. GRCh37 (hg19) VCF-style: chr11-108117808-C-T.
Other names: c.1019C>T, p.Ala340Val (NM_001351834.2); short protein forms A340V.
Identifiers: ClinVar variation 577796 (VCV000577796.9), dbSNP rs730881387, ClinGen allele CA382531521.
Genomic context (GRCh38, chr11:108,247,081, plus strand): 5'-TGAATGAGATAAGTCATATAGGAAGTAGAGGAAAGTATTCTTCAGGATTTCGTAATATTG[C>T]CGTCAAAGAAAATTTGATTGAATTGATGGCAGATATCTGTCACCAGGTACAGTAAGTAGG-3'
Protein context (NP_000042.3, residues 330-350): GKYSSGFRNI[Ala340Val]VKENLIELMA